The following is an entry in ClinVar:

NM_017654.4(SAMD9):c.4178T>C (p.Ile1393Thr)

Gene: SAMD9 (sterile alpha motif domain containing 9; minus strand). Cytogenetic location: 7q21.2.
Variant type: single nucleotide variant.
Coding change: c.4178T>C on transcript NM_017654.4 (MANE Select); coding-DNA position 4178, T replaced by C.
Protein change: p.Ile1393Thr; replaces isoleucine 1393 with threonine.
Molecular consequence: missense variant.
Genome position (GRCh38, 1-based): chr7:93,101,920, A>G on the plus strand (T>C on the coding strand, the complement: SAMD9 is on the minus strand). VCF-style: chr7-93101920-A-G. GRCh37 (hg19) VCF-style: chr7-92731233-A-G.
Other names: c.4178T>C (NM_017654.3); c.4178T>C, p.Ile1393Thr (NM_001193307.2); short protein forms I1393T.
Identifiers: ClinVar variation 3677965 (VCV003677965.3).

ClinVar aggregate classification (germline): Uncertain significance. Review status: criteria provided, multiple submitters, no conflicts (2 of 4 stars). 2 submissions from 2 submitters: Uncertain significance (2). Last evaluated 2025-01-03.

Conditions:
Inborn genetic diseases. Identifiers: MedGen C0950123, MeSH D030342.

gnomAD v4.1: 1 of 1,613,860 alleles (0.000062%); highest among the groups gnomAD compares: Non-Finnish European, 0.000085%; no homozygotes.

Submissions (2):

Ambry Genetics
Classification: Uncertain significance for Inborn genetic diseases. Last evaluated: 2025-01-03. Review status: criteria provided, single submitter. Criteria: Ambry Variant Classification Scheme 2023. Collection method: clinical testing. Allele origin: germline.
Comment: The p.I1393T variant (also known as c.4178T>C), located in coding exon 1 of the SAMD9 gene, results from a T to C substitution at nucleotide position 4178. The isoleucine at codon 1393 is replaced by threonine, an amino acid with similar properties. This amino acid position is conserved. In addition, the in silico prediction for this alteration is inconclusive. Based on the available evidence, the clinical significance of this variant remains unclear.

Labcorp Genetics (formerly Invitae), Labcorp
Classification: Uncertain significance. Last evaluated: 2024-03-28. Review status: criteria provided, single submitter. Criteria: Invitae Variant Classification Sherloc (09022015). Collection method: clinical testing. Allele origin: germline.
Comment: This sequence change replaces isoleucine, which is neutral and non-polar, with threonine, which is neutral and polar, at codon 1393 of the SAMD9 protein (p.Ile1393Thr). This variant is not present in population databases (gnomAD no frequency). This variant has not been reported in the literature in individuals affected with SAMD9-related conditions. Advanced modeling of protein sequence and biophysical properties (such as structural, functional, and spatial information, amino acid conservation, physicochemical variation, residue mobility, and thermodynamic stability) has been performed at Invitae for this missense variant, however the output from this modeling did not meet the statistical confidence thresholds required to predict the impact of this variant on SAMD9 protein function. In summary, the available evidence is currently insufficient to determine the role of this variant in disease. Therefore, it has been classified as a Variant of Uncertain Significance.